The following is an entry in ClinVar:

ClinVar aggregate classification (germline): Conflicting classifications of pathogenicity. Review status: criteria provided, conflicting classifications (1 of 4 stars). 2 submissions from 2 submitters: Uncertain significance (1); Likely benign (1). Last evaluated 2023-03-23.

Conditions:
Hereditary cancer-predisposing syndrome. Also called: Neoplastic Syndromes, Hereditary; Hereditary Cancer Syndrome; Tumor predisposition; Hereditary neoplastic syndrome. Identifiers: Orphanet 140162, MedGen C0027672, MeSH D009386, MONDO:0015356.
Hereditary breast ovarian cancer syndrome. Also called: BRCA1- and BRCA2-Associated Hereditary Breast and Ovarian Cancer; Hereditary breast and ovarian cancer; Hereditary breast and/or ovarian cancer syndrome; Hereditary breast and ovarian cancer syndrome; Hereditary breast and ovarian cancer syndrome (HBOC); Breast and ovarian cancer. Identifiers: Orphanet 145, MedGen C0677776, MeSH D061325, MONDO:0003582. Disease mechanism: loss of function.

Submissions (2):

University of Washington Department of Laboratory Medicine, University of Washington
Classification: Likely benign for Hereditary cancer-predisposing syndrome. Last evaluated: 2023-03-23. Review status: criteria provided, single submitter. Criteria: Dines et al. (Genet Med. 2020). Collection method: curation. Allele origin: germline.
Comment: Missense variant in a coldspot region where missense variants are very unlikely to be pathogenic (PMID:31911673).

BRCA2 exon 11 coldspot. Reclassification based on statistical prior probability.

Labcorp Genetics (formerly Invitae), Labcorp
Classification: Uncertain significance for Hereditary breast ovarian cancer syndrome. Last evaluated: 2018-02-17. Review status: criteria provided, single submitter. Criteria: Invitae Variant Classification Sherloc (09022015). Collection method: clinical testing. Allele origin: germline.
Comment: This sequence change replaces cysteine with arginine at codon 1960 of the BRCA2 protein (p.Cys1960Arg). The cysteine residue is weakly conserved and there is a large physicochemical difference between cysteine and arginine. In summary, the available evidence is currently insufficient to determine the role of this variant in disease. Therefore, it has been classified as a Variant of Uncertain Significance. Algorithms developed to predict the effect of missense changes on protein structure and function (SIFT, PolyPhen-2, Align-GVGD) all suggest that this variant is likely to be tolerated, but these predictions have not been confirmed by published functional studies and their clinical significance is uncertain. This variant has not been reported in the literature in individuals with BRCA2-related disease. This variant is not present in population databases (ExAC no frequency).

NM_000059.4(BRCA2):c.5878T>C (p.Cys1960Arg)

Gene: BRCA2 (BRCA2 DNA repair associated; plus strand). Cytogenetic location: 13q13.1.
Variant type: single nucleotide variant.
Coding change: c.5878T>C on transcript NM_000059.4 (MANE Select); coding-DNA position 5878, T replaced by C.
Protein change: p.Cys1960Arg; replaces cysteine 1960 with arginine.
Molecular consequence: missense variant.
Genome position (GRCh38, 1-based): chr13:32,340,233, T>C. VCF-style: chr13-32340233-T-C. GRCh37 (hg19) VCF-style: chr13-32914370-T-C.
Other names: short protein forms C1960R.
Identifiers: ClinVar variation 572243 (VCV000572243.10), dbSNP rs1566233377, ClinGen allele CA387787454.